The following is an entry in ClinVar:

NM_001378609.3(OTOGL):c.2267C>T (p.Ser756Leu)

Gene: OTOGL (otogelin like; plus strand). Cytogenetic location: 12q21.31.
Variant type: single nucleotide variant.
Coding change: c.2267C>T on transcript NM_001378609.3 (MANE Select); coding-DNA position 2267, C replaced by T.
Protein change: p.Ser756Leu; replaces serine 756 with leucine.
Molecular consequence: missense variant.
Genome position (GRCh38, 1-based): chr12:80,266,493, C>T. VCF-style: chr12-80266493-C-T. GRCh37 (hg19) VCF-style: chr12-80660273-C-T.
Other names: c.2267C>T, p.Ser756Leu (NM_001368062.3, NM_001378610.3, NM_173591.7); short protein forms S756L.
Identifiers: ClinVar variation 1201781 (VCV001201781.4), dbSNP rs781524697, ClinGen allele CA6700725.

ClinVar aggregate classification (germline): Uncertain significance (1 of 4 stars; one submission).

Allele frequency attached by ClinVar (database versions not stated): gnomAD 0.00001; gnomAD exomes 0.00002 and 0.00004; TOPMed 0.00003; ExAC 0.00005.
gnomAD v4.1: 28 of 1,613,450 alleles (0.0017%); highest among the groups gnomAD compares: Admixed American, 0.0084%; no homozygotes.

Submission:

GeneDx
Classification: Uncertain significance. Last evaluated: 2024-07-30. Review status: criteria provided, single submitter. Criteria: GeneDx Variant Classification Process June 2021. Collection method: clinical testing. Allele origin: germline. Affected: yes.
Comment: In silico analysis supports that this missense variant has a deleterious effect on protein structure/function; Has not been previously published as pathogenic or benign to our knowledge